The following is an entry in ClinVar:

ClinVar aggregate classification (germline): Uncertain significance. Review status: criteria provided, multiple submitters, no conflicts (2 of 4 stars). 2 submissions from 2 submitters: Uncertain significance (2). Last evaluated 2026-09-22.

Conditions:
KSR2-related disorder. Also called: KSR2-related condition.

Allele frequency attached by ClinVar (database versions not stated): 1000 Genomes Project 30x 0.00016; ESP Exome Variant Server 0.00016; 1000 Genomes Project 0.00020.
gnomAD v4.1: 58 of 1,579,830 alleles (0.0037%); highest among the groups gnomAD compares: Middle Eastern, 0.2%; no homozygotes.

Submissions (2):

PreventionGenetics, part of Exact Sciences
Classification: Uncertain significance for KSR2-related condition. Last evaluated: 2026-09-22. Review status: criteria provided, single submitter. Criteria: ACMG Guidelines, 2015. Collection method: clinical testing. Allele origin: germline.
Comment: The KSR2 c.1765-8G>A variant is predicted to interfere with splicing. This variant is predicted to interfere with splicing based on splicing prediction programs (SpliceAI, Jaganathan et al. 2019. PubMed ID: 30661751). However, prediction programs are not equivalent to functional evidence. This variant has been reported in the heterozygous state in multiple individuals with severe early-onset obesity and has a significantly higher allele frequency in the Qatari population than reported in gnomAD (Abu-Rub et al. 2024. PubMed ID: 39202327). This variant is reported in 0.012% of alleles in individuals of Latino descent in gnomAD. At this time, the clinical significance of this variant is uncertain due to the absence of conclusive functional and genetic evidence.

Labcorp Genetics (formerly Invitae), Labcorp
Classification: Uncertain significance. Last evaluated: 2024-01-03. Review status: criteria provided, single submitter. Criteria: Invitae Variant Classification Sherloc (09022015). Collection method: clinical testing. Allele origin: germline.
Comment: This sequence change falls in intron 13 of the KSR2 gene. It does not directly change the encoded amino acid sequence of the KSR2 protein. This variant is present in population databases (rs375107117, gnomAD 0.01%). This variant has not been reported in the literature in individuals affected with KSR2-related conditions. ClinVar contains an entry for this variant (Variation ID: 2634220). Algorithms developed to predict the effect of sequence changes on RNA splicing suggest that this variant may disrupt the consensus splice site. In summary, the available evidence is currently insufficient to determine the role of this variant in disease. Therefore, it has been classified as a Variant of Uncertain Significance.

NM_173598.6(KSR2):c.1852-8G>A

Gene: KSR2 (kinase suppressor of ras 2; minus strand). Cytogenetic location: 12q24.22.
Variant type: single nucleotide variant.
Coding change: c.1852-8G>A on transcript NM_173598.6 (MANE Select); 8 bases into the intron before coding-DNA position 1852, G replaced by A.
Molecular consequence: intron variant.
Genome position (GRCh38, 1-based): chr12:117,525,227, C>T on the plus strand (G>A on the coding strand, the complement: KSR2 is on the minus strand). VCF-style: chr12-117525227-C-T. GRCh37 (hg19) VCF-style: chr12-117963032-C-T.
Identifiers: ClinVar variation 2634220 (VCV002634220.7), dbSNP rs375107117, ClinGen allele CA6815858.
Genomic context (GRCh38, chr12:117,525,227, plus strand): 5'-ATCTCCTCGAAGTCATCCTCTGACTCTTCGGCCTCATCATGGACCTCTTCATTCTGTGGC[C>T]GGAGTGGGAGAGAGGTCAGAATTGTGTCTGCCACTGCCCCAGCCTCCCTCATGGTCCTGC-3'